The following is an entry in ClinVar:

NM_000246.4(CIITA):c.2725C>A (p.Gln909Lys)

Gene: CIITA (class II major histocompatibility complex transactivator; plus strand). Cytogenetic location: 16p13.13.
Variant type: single nucleotide variant.
Coding change: c.2725C>A on transcript NM_000246.4 (MANE Select); coding-DNA position 2725, C replaced by A.
Protein change: p.Gln909Lys; replaces glutamine 909 with lysine.
Molecular consequence: missense variant.
Genome position (GRCh38, 1-based): chr16:10,909,096, C>A. VCF-style: chr16-10909096-C-A. GRCh37 (hg19) VCF-style: chr16-11002953-C-A.
Other names: c.2728C>A, p.Gln910Lys (NM_001286402.1, NM_001379332.1); c.973C>A, p.Gln325Lys (NM_001286403.2); c.2581C>A, p.Gln861Lys (NM_001379330.1); c.2578C>A, p.Gln860Lys (NM_001379331.1); c.2725C>A, p.Gln909Lys (NM_001379333.1); c.2656C>A, p.Gln886Lys (NM_001379334.1); c.2725C>A (NM_000246.3); short protein forms Q325K, Q860K, Q910K, Q861K, Q909K, Q886K.
Identifiers: ClinVar variation 1406251 (VCV001406251.5), dbSNP rs2039378892, ClinGen allele CA394734875.
Genomic context (GRCh38, chr16:10,909,096, plus strand): 5'-TTGAGCGACACGGTGGCGCTGTGGGAGTCCCTGCAGCAGCATGGGGAGACCAAGCTACTT[C>A]AGGCAGCAGAGGAGAAGTTCACCATCGAGCCTTTCAAAGCCAAGTCCCTGAAGGATGTGG-3'
Protein context (NP_000237.2, residues 899-919): LQQHGETKLL[Gln909Lys]AAEEKFTIEP

ClinVar aggregate classification (germline): Uncertain significance (1 of 4 stars; one submission).

Conditions:
MHC class II deficiency. Also called: BLS, TYPE II; Bare lymphocyte syndrome 2. Identifiers: Orphanet 572, MedGen C5447452, MONDO:0008855.

Allele frequency attached by ClinVar (database versions not stated): TOPMed below 0.00001; gnomAD exomes 0.00001.
gnomAD v4.1: 3 of 1,614,142 alleles (0.00019%); highest among the groups gnomAD compares: South Asian, 0.0033%; no homozygotes.

Submission:

Labcorp Genetics (formerly Invitae), Labcorp
Classification: Uncertain significance for MHC class II deficiency. Last evaluated: 2025-03-18. Review status: criteria provided, single submitter. Criteria: Invitae Variant Classification Sherloc (09022015). Collection method: clinical testing. Allele origin: germline.
Comment: This sequence change replaces glutamine, which is neutral and polar, with lysine, which is basic and polar, at codon 909 of the CIITA protein (p.Gln909Lys). This variant is not present in population databases (gnomAD no frequency). This variant has not been reported in the literature in individuals affected with CIITA-related conditions. ClinVar contains an entry for this variant (Variation ID: 1406251). An algorithm developed to predict the effect of missense changes on protein structure and function (PolyPhen-2) suggests that this variant is likely to be tolerated. In summary, the available evidence is currently insufficient to determine the role of this variant in disease. Therefore, it has been classified as a Variant of Uncertain Significance.